The following is an entry in ClinVar:

NM_198253.3(TERT):c.2129A>G (p.Lys710Arg)

Gene: TERT (telomerase reverse transcriptase; minus strand). Cytogenetic location: 5p15.33.
Variant type: single nucleotide variant.
Coding change: c.2129A>G on transcript NM_198253.3 (MANE Select); coding-DNA position 2129, A replaced by G.
Protein change: p.Lys710Arg; replaces lysine 710 with arginine.
Molecular consequence: missense variant. On other transcripts: non-coding transcript variant (2).
Genome position (GRCh38, 1-based): chr5:1,279,292, T>C on the plus strand (A>G on the coding strand, the complement: TERT is on the minus strand). VCF-style: chr5-1279292-T-C. GRCh37 (hg19) VCF-style: chr5-1279407-T-C.
Other names: c.2129A>G, p.Lys710Arg (NM_001193376.3); short protein forms K710R.
Identifiers: ClinVar variation 3376694 (VCV003376694.1).

ClinVar aggregate classification (germline): Uncertain significance (1 of 4 stars; one submission).

Conditions:
Dyskeratosis congenita, autosomal dominant 2. Identifiers: MedGen C3151443, MONDO:0013521, OMIM 613989.

Submission:

Victorian Clinical Genetics Services, Murdoch Childrens Research Institute
Classification: Uncertain significance for Dyskeratosis congenita, autosomal dominant 2. Last evaluated: 2022-02-02. Review status: criteria provided, single submitter. Criteria: ACMG Guidelines, 2015. Collection method: clinical testing. Allele origin: germline. Inheritance: Autosomal dominant inheritance. Affected: yes.
Comment: Based on the classification scheme VCGS_Germline_v1.3.4, this variant is classified as VUS-3B. Following criteria are met: 0102 - Loss of function is a known mechanism of disease in this gene and is associated with autosomal dominant and recessive dyskeratosis congenita (MIM#613989, MIM#613989) and pulmonary fibrosis and/or bone marrow failure, telomere-related, 1 (MIM#614742). (I) 0108 - This gene is associated with both recessive and dominant disease. The genotype-phenotype correlation is currently unestablished; however autosomal dominant dyskeratosis congenita (MIM#613989) is adult onset and less severe than autosomal recessive dyskeratosis congenita (MIM#613989) (GeneReviews). (I) 0115 - Variants in this gene are known to have variable expressivity. Variability is well established in dyskeratosis congenita (GeneReviews). (I) 0200 - Variant is predicted to result in a missense amino acid change from lysine to arginine. (I) 0251 - This variant is heterozygous. (I) 0301 - Variant is absent from gnomAD (both v2 and v3). (SP) 0502 - Missense variant with conflicting in silico predictions and uninformative conservation. (I) 0604 - Variant is not located in an established domain, motif, hotspot or informative constraint region. (I) 0705 - No comparable missense variants have previous evidence for pathogenicity. (I) 0807 - This variant has no previous evidence of pathogenicity. (I) 0905 - No published segregation evidence has been identified for this variant. (I) 1007 - No published functional evidence has been identified for this variant. (I) 1208 - Inheritance information for this variant is not currently available in this individual. (I) Legend: (SP) - Supporting pathogenic, (I) - Information, (SB) - Supporting benign